The following is an entry in ClinVar:

NM_004656.4(BAP1):c.854C>T (p.Ser285Phe)

Gene: BAP1 (BRCA1 associated deubiquitinase 1; minus strand). Cytogenetic location: 3p21.1.
Variant type: single nucleotide variant.
Coding change: c.854C>T on transcript NM_004656.4 (MANE Select); coding-DNA position 854, C replaced by T.
Protein change: p.Ser285Phe; replaces serine 285 with phenylalanine.
Molecular consequence: missense variant.
Genome position (GRCh38, 1-based): chr3:52,405,842, G>A on the plus strand (C>T on the coding strand, the complement: BAP1 is on the minus strand). VCF-style: chr3-52405842-G-A. GRCh37 (hg19) VCF-style: chr3-52439858-G-A.
Other names: c.800C>T, p.Ser267Phe (NM_001410772.1); short protein forms S285F, S267F.
Identifiers: ClinVar variation 2774760 (VCV002774760.3), dbSNP rs2153227248, ClinGen allele CA353106743.

ClinVar aggregate classification (germline): Uncertain significance. Review status: criteria provided, multiple submitters, no conflicts (2 of 4 stars). 2 submissions from 2 submitters: Uncertain significance (2). Last evaluated 2023-11-10.

Conditions:
Hereditary cancer-predisposing syndrome. Also called: Neoplastic Syndromes, Hereditary; Tumor predisposition; Hereditary Cancer Syndrome; Hereditary neoplastic syndrome. Identifiers: Orphanet 140162, MedGen C0027672, MeSH D009386, MONDO:0015356.

Submissions (2):

Ambry Genetics
Classification: Uncertain significance for Hereditary cancer-predisposing syndrome. Last evaluated: 2023-11-10. Review status: criteria provided, single submitter. Criteria: Ambry Variant Classification Scheme 2023. Collection method: clinical testing. Allele origin: germline.
Comment: The p.S285F variant (also known as c.854C>T), located in coding exon 10 of the BAP1 gene, results from a C to T substitution at nucleotide position 854. The serine at codon 285 is replaced by phenylalanine, an amino acid with highly dissimilar properties. This amino acid position is conserved. In addition, this alteration is predicted to be tolerated by in silico analysis. Since supporting evidence is limited at this time, the clinical significance of this alteration remains unclear.

Color Diagnostics, LLC DBA Color Health
Classification: Uncertain significance for Hereditary cancer-predisposing syndrome. Last evaluated: 2022-12-05. Review status: criteria provided, single submitter. Criteria: ACMG Guidelines, 2015. Collection method: clinical testing. Allele origin: germline.
Comment: This missense variant replaces serine with phenylalanine at codon 285 of the BAP1 protein. Computational prediction suggests that this variant may not impact protein structure and function (internally defined REVEL score threshold <= 0.5, PMID: 27666373). To our knowledge, functional studies have not been reported for this variant. This variant has not been reported in individuals affected with BAP1-related disorders in the literature. This variant has not been identified in the general population by the Genome Aggregation Database (gnomAD). The available evidence is insufficient to determine the role of this variant in disease conclusively. Therefore, this variant is classified as a Variant of Uncertain Significance.